The following is an entry in ClinVar:

NM_015102.5(NPHP4):c.2651A>G (p.Asp884Gly)

Gene: NPHP4 (nephrocystin 4; minus strand). Cytogenetic location: 1p36.31.
Variant type: single nucleotide variant.
Coding change: c.2651A>G on transcript NM_015102.5 (MANE Select); coding-DNA position 2651, A replaced by G.
Protein change: p.Asp884Gly; replaces aspartic acid 884 with glycine.
Molecular consequence: missense variant. On other transcripts: non-coding transcript variant (1).
Genome position (GRCh38, 1-based): chr1:5,877,259, T>C on the plus strand (A>G on the coding strand, the complement: NPHP4 is on the minus strand). VCF-style: chr1-5877259-T-C. GRCh37 (hg19) VCF-style: chr1-5937319-T-C.
Other names: c.1112A>G, p.Asp371Gly (NM_001291593.2); c.1115A>G, p.Asp372Gly (NM_001291594.2); c.2651A>G (NM_015102.3); short protein forms D371G, D372G, D884G.
Identifiers: ClinVar variation 971187 (VCV000971187.7), dbSNP rs1642710907, ClinGen allele CA338057482.
Genomic context (GRCh38, chr1:5,877,259, plus strand): 5'-ACGTCCTGGGGCCCCTTGCCCTGCCGGGCATGGGTCAGTAGCATGGCAGCCAGCTCACTG[T>C]CCACGTCCGCCAGCTTCTGTGCTTGCACCACGTGTTTTCCTGCGAAAGGGTCAGAGCGCG-3'
Protein context (NP_055917.1, residues 874-894): VVQAQKLADV[Asp884Gly]SELAAMLLTH

ClinVar aggregate classification (germline): Uncertain significance. Review status: criteria provided, multiple submitters, no conflicts (2 of 4 stars). 3 submissions from 3 submitters: Uncertain significance (3). Last evaluated 2024-07-09.

Conditions:
Nephronophthisis. Also called: Juvenile Nephronophthisis. Identifiers: Orphanet 655, MedGen C0687120, MONDO:0019005, HP:0000090.
Inborn genetic diseases. Identifiers: MedGen C0950123, MeSH D030342.
Nephronophthisis 4 (NPHP4). Also called: NEPHRONOPHTHISIS 4, JUVENILE. Identifiers: Orphanet 655, MedGen C1847013, MONDO:0011752, OMIM 606966.
Senior-Loken syndrome 4 (SLSN4). Identifiers: Orphanet 3156, MedGen C1846979, MONDO:0011756, OMIM 606996.

Allele frequency attached by ClinVar (database versions not stated): gnomAD exomes below 0.00001; TOPMed 0.00002.
gnomAD v4.1: 2 of 1,606,042 alleles (0.00012%); highest among the groups gnomAD compares: Non-Finnish European, 0.000085%; no homozygotes.

Submissions (3):

Ambry Genetics
Classification: Uncertain significance for Inborn genetic diseases. Last evaluated: 2024-07-09. Review status: criteria provided, single submitter. Criteria: Ambry Variant Classification Scheme 2023. Collection method: clinical testing. Allele origin: germline.

Labcorp Genetics (formerly Invitae), Labcorp
Classification: Uncertain significance for Nephronophthisis. Last evaluated: 2022-01-15. Review status: criteria provided, single submitter. Criteria: Invitae Variant Classification Sherloc (09022015). Collection method: clinical testing. Allele origin: germline.
Comment: This sequence change replaces aspartic acid, which is acidic and polar, with glycine, which is neutral and non-polar, at codon 884 of the NPHP4 protein (p.Asp884Gly). This variant is not present in population databases (gnomAD no frequency). This variant has not been reported in the literature in individuals affected with NPHP4-related conditions. ClinVar contains an entry for this variant (Variation ID: 971187). Algorithms developed to predict the effect of missense changes on protein structure and function are either unavailable or do not agree on the potential impact of this missense change (SIFT: "Deleterious"; PolyPhen-2: "Benign"; Align-GVGD: "Class C0"). In summary, the available evidence is currently insufficient to determine the role of this variant in disease. Therefore, it has been classified as a Variant of Uncertain Significance.

Fulgent Genetics
Classification: Uncertain significance for Nephronophthisis 4; Senior-Loken syndrome 4. Last evaluated: 2021-08-16. Review status: criteria provided, single submitter. Criteria: ACMG Guidelines, 2015. Collection method: clinical testing. Allele origin: unknown.